The following is an entry in ClinVar:

ClinVar aggregate classification (germline): Pathogenic. Review status: criteria provided, multiple submitters, no conflicts (2 of 4 stars). 2 submissions from 2 submitters: Pathogenic (2). Last evaluated 2025-03-31.

Conditions:
Spastic paraplegia. Identifiers: MedGen C0037772, HP:0001258.

Submissions (2):

Labcorp Genetics (formerly Invitae), Labcorp
Classification: Pathogenic for Spastic paraplegia. Last evaluated: 2025-03-31. Review status: criteria provided, single submitter. Criteria: Invitae Variant Classification Sherloc (09022015). Collection method: clinical testing. Allele origin: germline.
Comment: This sequence change affects a donor splice site in intron 5 of the SLC16A2 gene. While this variant is not anticipated to result in nonsense mediated decay, it likely alters RNA splicing and results in a disrupted protein product. This variant is not present in population databases (gnomAD no frequency). This variant has not been reported in the literature in individuals affected with SLC16A2-related conditions. ClinVar contains an entry for this variant (Variation ID: 3369722). Variants that disrupt the consensus splice site are a relatively common cause of aberrant splicing (PMID: 17576681, 9536098). Algorithms developed to predict the effect of sequence changes on RNA splicing suggest that this variant may disrupt the consensus splice site. This variant disrupts a region of the SLC16A2 protein in which other variant(s) (p.Tyr476Serfs*17 ) have been determined to be pathogenic (PMID: 30369548, 31410843). This suggests that this is a clinically significant region of the protein, and that variants that disrupt it are likely to be disease-causing. For these reasons, this variant has been classified as Pathogenic.

GeneDx
Classification: Pathogenic. Last evaluated: 2024-02-23. Review status: criteria provided, single submitter. Criteria: GeneDx Variant Classification Process June 2021. Collection method: clinical testing. Allele origin: germline. Affected: yes.
Comment: Canonical splice site variant predicted to result in a null allele in a gene for which loss of function is a known mechanism of disease; Not observed at significant frequency in large population cohorts (gnomAD); Has not been previously published as pathogenic or benign to our knowledge

Literature cited by the submitters: PubMed 17576681 (cited by Labcorp Genetics (formerly Invitae), Labcorp); PubMed 9536098 (cited by Labcorp Genetics (formerly Invitae), Labcorp); PubMed 30369548 (cited by Labcorp Genetics (formerly Invitae), Labcorp); PubMed 31410843 (cited by Labcorp Genetics (formerly Invitae), Labcorp).

NM_006517.5(SLC16A2):c.1399+1G>A

Gene: SLC16A2 (solute carrier family 16 member 2; plus strand). Cytogenetic location: Xq13.2.
Variant type: single nucleotide variant.
Coding change: c.1399+1G>A on transcript NM_006517.5 (MANE Select); the canonical splice donor site of the intron after coding-DNA position 1399, G replaced by A.
Molecular consequence: splice donor variant.
Genome position (GRCh38, 1-based): chrX:74,529,442, G>A. VCF-style: chrX-74529442-G-A. GRCh37 (hg19) VCF-style: chrX-73749277-G-A.
Identifiers: ClinVar variation 3369722 (VCV003369722.3).